The following is an entry in ClinVar:

ClinVar aggregate classification (germline): Benign. Review status: criteria provided, multiple submitters, no conflicts (2 of 4 stars). 3 submissions from 3 submitters: Benign (3). Last evaluated 2025-04-14.

Conditions:
Familial acute necrotizing encephalopathy (IIAE3). Also called: ENCEPHALOPATHY, ACUTE, INFECTION-INDUCED, SUSCEPTIBILITY TO, 3; Susceptibility to Acute Necrotizing Encephalopathy 1. Identifiers: Orphanet 88619, MedGen C2675556, MONDO:0011953, OMIM 608033.

Allele frequency attached by ClinVar (database versions not stated): gnomAD exomes 0.00309; ExAC 0.00384; gnomAD 0.01261 and 0.01352; ESP Exome Variant Server 0.01284; TOPMed 0.01427; 1000 Genomes Project 0.01538; 1000 Genomes Project 30x 0.01640.
gnomAD v4.1: 3,622 of 1,611,274 alleles (0.22%); highest among the groups gnomAD compares: African/African-American, 4.5%; 85 homozygotes.

Submissions (3):

Labcorp Genetics (formerly Invitae), Labcorp
Classification: Benign for Familial acute necrotizing encephalopathy. Last evaluated: 2025-04-14. Review status: criteria provided, single submitter. Criteria: Invitae Variant Classification Sherloc (09022015). Collection method: clinical testing. Allele origin: germline.

GeneDx
Classification: Benign. Last evaluated: 2016-02-23. Review status: criteria provided, single submitter. Criteria: GeneDx Variant Classification (06012015). Collection method: clinical testing. Allele origin: germline. Affected: yes.
Comment: This variant is considered likely benign or benign based on one or more of the following criteria: it is a conservative change, it occurs at a poorly conserved position in the protein, it is predicted to be benign by multiple in silico algorithms, and/or has population frequency not consistent with disease.

Breakthrough Genomics
Classification: Benign. Review status: criteria provided, single submitter. Criteria: ACMG Guidelines, 2015. Collection method: not provided. Allele origin: germline. Inheritance: Autosomal dominant inheritance. Affected: yes.

NM_006267.5(RANBP2):c.2559T>A (p.Asp853Glu)

Gene: RANBP2 (RAN binding protein 2; plus strand). Cytogenetic location: 2q13.
Variant type: single nucleotide variant.
Coding change: c.2559T>A on transcript NM_006267.5 (MANE Select); coding-DNA position 2559, T replaced by A.
Protein change: p.Asp853Glu; replaces aspartic acid 853 with glutamic acid.
Molecular consequence: missense variant.
Genome position (GRCh38, 1-based): chr2:108,758,505, T>A. VCF-style: chr2-108758505-T-A. GRCh37 (hg19) VCF-style: chr2-109374961-T-A.
Other names: short protein forms D853E.
Identifiers: ClinVar variation 381436 (VCV000381436.13), dbSNP rs148999619, ClinGen allele CA1822736.